The following is an entry in ClinVar:

ClinVar aggregate classification (germline): Uncertain significance (1 of 4 stars; one submission).

Conditions:
Episodic ataxia type 2 (EA2). Also called: ACETAZOLAMIDE-RESPONSIVE HEREDITARY PAROXYSMAL CEREBELLAR ATAXIA; ATAXIA, EPISODIC, WITH NYSTAGMUS; ATAXIA, FAMILIAL PAROXYSMAL; CEREBELLAR ATAXIA, PAROXYSMAL, ACETAZOLAMIDE-RESPONSIVE; CEREBELLOPATHY, HEREDITARY PAROXYSMAL; EPISODIC ATAXIA, NYSTAGMUS-ASSOCIATED. Identifiers: Orphanet 97, MedGen C1720416, MONDO:0007163, OMIM 108500.
Developmental and epileptic encephalopathy, 42 (DEE42A). Also called: Epileptic encephalopathy, early infantile, 42; DEVELOPMENTAL AND EPILEPTIC ENCEPHALOPATHY 42A; EPILEPTIC ENCEPHALOPATHY, EARLY INFANTILE, 42A. Identifiers: MedGen C4310716, MONDO:0014917, OMIM 617106.

Submission:

Labcorp Genetics (formerly Invitae), Labcorp
Classification: Uncertain significance for Developmental and epileptic encephalopathy, 42; Episodic ataxia type 2. Last evaluated: 2025-10-02. Review status: criteria provided, single submitter. Criteria: Invitae Variant Classification Sherloc (09022015). Collection method: clinical testing. Allele origin: germline.
Comment: This sequence change replaces glutamic acid, which is acidic and polar, with glycine, which is neutral and non-polar, at codon 188 of the CACNA1A protein (p.Glu188Gly). This variant is not present in population databases (gnomAD no frequency). This variant has not been reported in the literature in individuals affected with CACNA1A-related conditions. Invitae Evidence Modeling of protein sequence and biophysical properties (such as structural, functional, and spatial information, amino acid conservation, physicochemical variation, residue mobility, and thermodynamic stability) indicates that this missense variant is not expected to disrupt CACNA1A protein function with a negative predictive value of 95%. In summary, the available evidence is currently insufficient to determine the role of this variant in disease. Therefore, it has been classified as a Variant of Uncertain Significance.

NM_001127222.2(CACNA1A):c.563A>G (p.Glu188Gly)

Gene: CACNA1A (calcium voltage-gated channel subunit alpha1 A; minus strand). Cytogenetic location: 19p13.13.
Variant type: single nucleotide variant.
Coding change: c.563A>G on transcript NM_001127222.2 (MANE Select); coding-DNA position 563, A replaced by G.
Protein change: p.Glu188Gly; replaces glutamic acid 188 with glycine.
Molecular consequence: missense variant.
Genome position (GRCh38, 1-based): chr19:13,371,756, T>C on the plus strand (A>G on the coding strand, the complement: CACNA1A is on the minus strand). VCF-style: chr19-13371756-T-C. GRCh37 (hg19) VCF-style: chr19-13482570-T-C.
Other names: c.563A>G, p.Glu188Gly (NM_000068.4, NM_001127221.2, NM_001174080.2 and 1 more transcripts); short protein forms E188G.
Identifiers: ClinVar variation 4789734 (VCV004789734.1).